The following is an entry in ClinVar:

NM_003482.4(KMT2D):c.11869C>G (p.Gln3957Glu)

Gene: KMT2D (lysine methyltransferase 2D; minus strand). Cytogenetic location: 12q13.12.
Variant type: single nucleotide variant.
Coding change: c.11869C>G on transcript NM_003482.4 (MANE Select); coding-DNA position 11869, C replaced by G.
Protein change: p.Gln3957Glu; replaces glutamine 3957 with glutamic acid.
Molecular consequence: missense variant.
Genome position (GRCh38, 1-based): chr12:49,032,836, G>C on the plus strand (C>G on the coding strand, the complement: KMT2D is on the minus strand). VCF-style: chr12-49032836-G-C. GRCh37 (hg19) VCF-style: chr12-49426619-G-C.
Other names: short protein forms Q3957E.
Identifiers: ClinVar variation 1720925 (VCV001720925.5), dbSNP rs994032704, ClinGen allele CA236639850.

ClinVar aggregate classification (germline): Uncertain significance (1 of 4 stars; one submission).

Conditions:
Kabuki syndrome. Also called: NIIKAWA-KUROKI SYNDROME; Kabuki make-up syndrome. Identifiers: Orphanet 2322, MedGen C0796004, MONDO:0016512.

Allele frequency attached by ClinVar (database versions not stated): TOPMed below 0.00001; gnomAD 0.00001.
gnomAD v4.1: 1 of 1,550,578 alleles (0.000064%); highest among the groups gnomAD compares: Non-Finnish European, 0.000087%; no homozygotes.

Submission:

Labcorp Genetics (formerly Invitae), Labcorp
Classification: Uncertain significance for Kabuki syndrome. Last evaluated: 2022-10-03. Review status: criteria provided, single submitter. Criteria: Invitae Variant Classification Sherloc (09022015). Collection method: clinical testing. Allele origin: germline.
Comment: In summary, the available evidence is currently insufficient to determine the role of this variant in disease. Therefore, it has been classified as a Variant of Uncertain Significance. Advanced modeling of protein sequence and biophysical properties (such as structural, functional, and spatial information, amino acid conservation, physicochemical variation, residue mobility, and thermodynamic stability) performed at Invitae indicates that this missense variant is not expected to disrupt KMT2D protein function. This variant has not been reported in the literature in individuals affected with KMT2D-related conditions. The frequency data for this variant in the population databases is considered unreliable, as metrics indicate poor data quality at this position in the gnomAD database. This sequence change replaces glutamine, which is neutral and polar, with glutamic acid, which is acidic and polar, at codon 3957 of the KMT2D protein (p.Gln3957Glu).